The following is an entry in ClinVar:

ClinVar aggregate classification (germline): Pathogenic (1 of 4 stars; one submission).

Conditions:
MNX1-related disorder. Also called: MNX1-related condition.

Submission:

PreventionGenetics, part of Exact Sciences
Classification: Pathogenic for MNX1-related condition. Last evaluated: 2026-03-10. Review status: criteria provided, single submitter. Criteria: ACMG Guidelines, 2015. Collection method: clinical testing. Allele origin: germline.
Comment: The MNX1 c.727C>T variant is predicted to result in the amino acid substitution p.Arg243Trp. This variant was reported in three individuals with Currarino syndrome (Ciotti et al. 2011. PubMed ID: 21915987; Garcia-Barceló et al. 2009. PubMed ID: 19853743). This variant has not been reported in a large population database, indicating this variant is rare. This variant is interpreted as pathogenic.

NM_005515.4(MNX1):c.727C>T (p.Arg243Trp)

Genes: MNX1 (motor neuron and pancreas homeobox 1; minus strand), MNX1-AS2 (MNX1 antisense RNA 2; plus strand). Cytogenetic location: 7q36.3.
Variant type: single nucleotide variant.
Coding change: c.727C>T on transcript NM_005515.4 (MANE Select); coding-DNA position 727, C replaced by T.
Protein change: p.Arg243Trp; replaces arginine 243 with tryptophan.
Molecular consequence: missense variant.
Genome position (GRCh38, 1-based): chr7:157,006,604, G>A on the plus strand (C>T on the coding strand, the complement: MNX1 is on the minus strand). VCF-style: chr7-157006604-G-A. GRCh37 (hg19) VCF-style: chr7-156799298-G-A.
Other names: c.91C>T, p.Arg31Trp (NM_001165255.2); short protein forms R243W, R31W.
Identifiers: ClinVar variation 3347740 (VCV003347740.2).